The following is an entry in ClinVar:

NM_002834.5(PTPN11):c.1204A>G (p.Lys402Glu)

Gene: PTPN11 (protein tyrosine phosphatase non-receptor type 11; plus strand). Cytogenetic location: 12q24.13.
Variant type: single nucleotide variant.
Coding change: c.1204A>G on transcript NM_002834.5 (MANE Select); coding-DNA position 1204, A replaced by G.
Protein change: p.Lys402Glu; replaces lysine 402 with glutamic acid.
Molecular consequence: missense variant.
Genome position (GRCh38, 1-based): chr12:112,482,185, A>G. VCF-style: chr12-112482185-A-G. GRCh37 (hg19) VCF-style: chr12-112919989-A-G.
Other names: c.1204A>G, p.Lys402Glu (NM_001330437.2, NM_080601.3); c.1201A>G, p.Lys401Glu (NM_001374625.1); short protein forms K401E, K402E.
Identifiers: ClinVar variation 1809852 (VCV001809852.1), dbSNP rs2540457172, ClinGen allele CA386776056.

ClinVar aggregate classification (germline): Uncertain significance (1 of 4 stars; one submission).

Submission:

GeneDx
Classification: Uncertain significance. Last evaluated: 2022-06-28. Review status: criteria provided, single submitter. Criteria: GeneDx Variant Classification Process June 2021. Collection method: clinical testing. Allele origin: germline. Affected: yes.
Comment: Not observed at significant frequency in large population cohorts (gnomAD); Missense variants in this gene are often considered pathogenic (HGMD); In silico analysis supports that this missense variant does not alter protein structure/function; Has not been previously published as pathogenic or benign to our knowledge